The following is an entry in ClinVar:

ClinVar aggregate classification (germline): Likely pathogenic. Review status: criteria provided, multiple submitters, no conflicts (2 of 4 stars). 3 submissions from 3 submitters: Likely pathogenic (3). Last evaluated 2025-08-15.

Conditions:
Glycogen storage disease, type IV (GSD4). Also called: AMYLOPECTINOSIS; ANDERSEN DISEASE; BRANCHER DEFICIENCY; CIRRHOSIS, FAMILIAL, WITH DEPOSITION OF ABNORMAL GLYCOGEN; GBE1 DEFICIENCY; GLYCOGEN BRANCHING ENZYME DEFICIENCY. Identifiers: Orphanet 367, MedGen C0017923, MONDO:0009292, OMIM 232500.
Glycogen storage disease IV, classic hepatic. Also called: GSD IV, CLASSIC HEPATIC. Identifiers: MedGen C1856301.
Adult polyglucosan body disease (APBN). Also called: POLYGLUCOSAN BODY DISEASE, ADULT FORM; GBE1-Adult Polyglucosan Body Disease. Identifiers: Orphanet 206583, MedGen C1849722, MONDO:0009897, OMIM 263570.

gnomAD v4.1: 6 of 1,569,070 alleles (0.00038%); highest among the groups gnomAD compares: Non-Finnish European, 0.00052%; no homozygotes.

Submissions (3):

Labcorp Genetics (formerly Invitae), Labcorp
Classification: Likely pathogenic for Glycogen storage disease, type IV; Glycogen storage disease IV, classic hepatic. Last evaluated: 2025-08-15. Review status: criteria provided, single submitter. Criteria: Invitae Variant Classification Sherloc (09022015). Collection method: clinical testing. Allele origin: germline.
Comment: This sequence change replaces asparagine, which is neutral and polar, with tyrosine, which is neutral and polar, at codon 556 of the GBE1 protein (p.Asn556Tyr). This variant is not present in population databases (gnomAD no frequency). This missense change has been observed in individuals with adult polyglucosan body disease (PMID: 23034915). ClinVar contains an entry for this variant (Variation ID: 3233938). Invitae Evidence Modeling of protein sequence and biophysical properties (such as structural, functional, and spatial information, amino acid conservation, physicochemical variation, residue mobility, and thermodynamic stability) indicates that this missense variant is expected to disrupt GBE1 protein function with a positive predictive value of 95%. In summary, the currently available evidence indicates that the variant is pathogenic, but additional data are needed to prove that conclusively. Therefore, this variant has been classified as Likely Pathogenic.

Fulgent Genetics
Classification: Likely pathogenic for Glycogen storage disease, type IV; Adult polyglucosan body disease. Last evaluated: 2024-03-15. Review status: criteria provided, single submitter. Criteria: ACMG Guidelines, 2015. Collection method: clinical testing. Allele origin: germline.

Women's Health and Genetics/Laboratory Corporation of America, LabCorp
Classification: Likely pathogenic for Glycogen storage disease, type IV. Last evaluated: 2024-03-15. Review status: criteria provided, single submitter. Criteria: LabCorp Variant Classification Summary - May 2015. Collection method: clinical testing. Allele origin: germline.
Comment: Variant summary: GBE1 c.1666A>T (p.Asn556Tyr) results in a non-conservative amino acid change located in the Glycosyl hydrolase, family 13, catalytic domain (IPR006047) of the encoded protein sequence. Five of five in-silico tools predict a damaging effect of the variant on protein function. The variant was absent in 206020 control chromosomes (gnomAD). c.1666A>T has been reported in the literature in individuals affected with Adult polyglucosan body disease (example: Mochel_2012). These data indicate that the variant is likely to be associated with disease. To our knowledge, no experimental evidence demonstrating an impact on protein function has been reported. The following publication has been ascertained in the context of this evaluation (PMID: 23034915). No submitters have cited clinical-significance assessments for this variant to ClinVar. Based on the evidence outlined above, the variant was classified as likely pathogenic.

Literature cited by the submitters: PubMed 23034915 (cited by Labcorp Genetics (formerly Invitae), Labcorp and Women's Health and Genetics/Laboratory Corporation of America, LabCorp).

NM_000158.4(GBE1):c.1666A>T (p.Asn556Tyr)

Gene: GBE1 (1,4-alpha-glucan branching enzyme 1; minus strand). Cytogenetic location: 3p12.2.
Variant type: single nucleotide variant.
Coding change: c.1666A>T on transcript NM_000158.4 (MANE Select); coding-DNA position 1666, A replaced by T.
Protein change: p.Asn556Tyr; replaces asparagine 556 with tyrosine.
Molecular consequence: missense variant.
Genome position (GRCh38, 1-based): chr3:81,537,048, T>A on the plus strand (A>T on the coding strand, the complement: GBE1 is on the minus strand). VCF-style: chr3-81537048-T-A. GRCh37 (hg19) VCF-style: chr3-81586199-T-A.
Other names: short protein forms N556Y.
Identifiers: ClinVar variation 3233938 (VCV003233938.4), dbSNP rs937683680, ClinGen allele CA78280349.